The following is an entry in ClinVar:

NM_000313.4(PROS1):c.234+72T>C

Gene: PROS1 (protein S; minus strand). Cytogenetic location: 3q11.1.
Variant type: single nucleotide variant.
Coding change: c.234+72T>C on transcript NM_000313.4 (MANE Select); 72 bases into the intron after coding-DNA position 234, T replaced by C.
Molecular consequence: intron variant.
Genome position (GRCh38, 1-based): chr3:93,927,178, A>G on the plus strand (T>C on the coding strand, the complement: PROS1 is on the minus strand). VCF-style: chr3-93927178-A-G. GRCh37 (hg19) VCF-style: chr3-93646022-A-G.
Other names: c.330+72T>C (NM_001314077.2).
Identifiers: ClinVar variation 1219906 (VCV001219906.5), dbSNP rs115491294, ClinGen allele CA78505426.

ClinVar aggregate classification (germline): Conflicting classifications of pathogenicity. Review status: criteria provided, conflicting classifications (1 of 4 stars). 2 submissions from 2 submitters: Uncertain significance (1); Likely benign (1). Last evaluated 2018-07-06.

Conditions:
Thrombophilia due to protein S deficiency, autosomal dominant (THPH5). Identifiers: Orphanet 26349, Orphanet 743, MedGen C3278211, MONDO:0012868, OMIM 612336. Disease mechanism: loss of function.

Allele frequency attached by ClinVar (database versions not stated): 1000 Genomes Project 30x 0.00265; 1000 Genomes Project 0.00280; TOPMed 0.00685; gnomAD 0.00885 and 0.00923; gnomAD exomes 0.01103.
gnomAD v4.1: 16,872 of 1,575,266 alleles (1.1%); highest among the groups gnomAD compares: Non-Finnish European, 1.2%; 120 homozygotes.

Submissions (2):

GeneDx
Classification: Likely benign. Last evaluated: 2018-07-06. Review status: criteria provided, single submitter. Criteria: GeneDx Variant Classification Process June 2021. Collection method: clinical testing. Allele origin: germline. Affected: yes.

ISTH-SSC Genomics in Thrombosis and Hemostasis, KU Leuven, Center for Molecular and Vascular Biology
Classification: Uncertain significance for Thrombophilia due to protein S deficiency, autosomal dominant. Review status: criteria provided, single submitter. Criteria: ACMG Guidelines, 2015. Collection method: clinical testing. Allele origin: germline. Affected: yes. Observed: 1 heterozygote.
Comment: Submitted to GoldVariant by Kathleen Freson, Center for Molecular and Vascular Biology, Leuven, Belgium